The following is an entry in ClinVar:

NM_000061.3(BTK):c.1058G>A (p.Ser353Asn)

Gene: BTK (Bruton tyrosine kinase; minus strand). Cytogenetic location: Xq22.1.
Variant type: single nucleotide variant.
Coding change: c.1058G>A on transcript NM_000061.3 (MANE Select); coding-DNA position 1058, G replaced by A.
Protein change: p.Ser353Asn; replaces serine 353 with asparagine.
Molecular consequence: missense variant. On other transcripts: intron variant (1).
Genome position (GRCh38, 1-based): chrX:101,358,354, C>T on the plus strand (G>A on the coding strand, the complement: BTK is on the minus strand). VCF-style: chrX-101358354-C-T. GRCh37 (hg19) VCF-style: chrX-100613342-C-T.
Other names: c.1160G>A, p.Ser387Asn (NM_001287344.2); c.1038+20G>A (NM_001287345.2); short protein forms S353N, S387N.
Identifiers: ClinVar variation 3907135 (VCV003907135.1).

ClinVar aggregate classification (germline): Uncertain significance (1 of 4 stars; one submission).

Submission:

Women's Health and Genetics/Laboratory Corporation of America, LabCorp
Classification: Uncertain significance. Last evaluated: 2025-06-13. Review status: criteria provided, single submitter. Criteria: LabCorp Variant Classification Summary - May 2015. Collection method: clinical testing. Allele origin: germline.
Comment: Variant summary: BTK c.1058G>A (p.Ser353Asn) results in a conservative amino acid change in the encoded protein sequence. Algorithms developed to predict the effect of missense changes on protein structure and function are either unavailable or do not agree on the potential impact of this missense change. The variant allele was found at a frequency of 5.5e-06 in 183403 control chromosomes (gnomAD). The available data on variant occurrences in the general population are insufficient to allow any conclusion about variant significance. To our knowledge, no occurrence of c.1058G>A in individuals affected with X-Linked Agammaglobulinemia and no experimental evidence demonstrating its impact on protein function have been reported. No submitters have cited clinical-significance assessments for this variant to ClinVar. Based on the evidence outlined above, the variant was classified as uncertain significance.